The following is an entry in ClinVar:

NM_000059.4(BRCA2):c.4576dup (p.Thr1526fs)

Gene: BRCA2 (BRCA2 DNA repair associated; plus strand). Cytogenetic location: 13q13.1.
Variant type: Duplication.
Coding change: c.4576dup on transcript NM_000059.4 (MANE Select); coding-DNA position 4576, one base duplicated (A; older notation c.4576dupA).
Protein change: p.Thr1526fs; shifts the reading frame from threonine 1526.
Molecular consequence: frameshift variant.
Genome position (GRCh38, 1-based): chr13:32,338,931, A duplicated. VCF-style (leftmost placement, unchanged base first): chr13-32338930-T-TA. GRCh37 (hg19) VCF-style: chr13-32913067-T-TA.
Other names: 4804dupA; c.4576dupA (NM_000059.3); short protein forms T1526fs.
Identifiers: ClinVar variation 266821 (VCV000266821.13), dbSNP rs886040539, ClinGen allele CA10589268.
Genomic context (GRCh38, chr13:32,338,930, plus strand): 5'-CTTCCAGGGACAACCCGAACGTGATGAAAAGATCAAAGAACCTACTCTATTGGGTTTTCA[T>TA]ACAGCTAGCGGGAAAAAAGTTAAAATTGCAAAGGAATCTTTGGACAAAGTGAAAAACCTT-3'

ClinVar aggregate classification (germline): Pathogenic. Review status: reviewed by expert panel (3 of 4 stars). 4 submissions from 4 submitters: Pathogenic (1). 3 of the submissions do not count toward it. Last evaluated 2016-10-18.

Conditions:
Breast-ovarian cancer, familial, susceptibility to, 2 (BROVCA2). Also called: BRCA2 Hereditary Breast and Ovarian Cancer. Identifiers: Orphanet 145, MedGen C2675520, MONDO:0012933, OMIM 612555. Disease mechanism: loss of function.
Hereditary breast ovarian cancer syndrome. Also called: BRCA1- and BRCA2-Associated Hereditary Breast and Ovarian Cancer; Hereditary breast and ovarian cancer; Breast and ovarian cancer; Hereditary breast and/or ovarian cancer syndrome; Hereditary breast and ovarian cancer syndrome; Hereditary breast and ovarian cancer syndrome (HBOC). Identifiers: Orphanet 145, MedGen C0677776, MeSH D061325, MONDO:0003582. Disease mechanism: loss of function.
Hereditary cancer-predisposing syndrome. Also called: Hereditary neoplastic syndrome; Neoplastic Syndromes, Hereditary; Tumor predisposition; Hereditary Cancer Syndrome. Identifiers: Orphanet 140162, MedGen C0027672, MeSH D009386, MONDO:0015356.

Submissions (4):

Evidence-based Network for the Interpretation of Germline Mutant Alleles (ENIGMA)
Classification: Pathogenic for Breast-ovarian cancer, familial, susceptibility to, 2. Last evaluated: 2016-10-18. Review status: reviewed by expert panel. Criteria: ENIGMA BRCA1/2 Classification Criteria (2015). Collection method: curation. Allele origin: germline.
Comment: Variant allele predicted to encode a truncated non-functional protein.

Labcorp Genetics (formerly Invitae), Labcorp
Classification: Pathogenic for Hereditary breast ovarian cancer syndrome. Last evaluated: 2024-10-16. Review status: criteria provided, single submitter. Criteria: Invitae Variant Classification Sherloc (09022015). Collection method: clinical testing. Allele origin: germline. Not counted in ClinVar's aggregate classification.
Comment: This sequence change creates a premature translational stop signal (p.Thr1526Asnfs*3) in the BRCA2 gene. It is expected to result in an absent or disrupted protein product. Loss-of-function variants in BRCA2 are known to be pathogenic (PMID: 20104584). This variant is not present in population databases (gnomAD no frequency). This variant has not been reported in the literature in individuals affected with BRCA2-related conditions. ClinVar contains an entry for this variant (Variation ID: 266821). For these reasons, this variant has been classified as Pathogenic.

Ambry Genetics
Classification: Pathogenic for Hereditary cancer-predisposing syndrome. Last evaluated: 2022-12-08. Review status: criteria provided, single submitter. Criteria: Ambry Variant Classification Scheme 2023. Collection method: clinical testing. Allele origin: germline. Not counted in ClinVar's aggregate classification.
Comment: The c.4576dupA pathogenic mutation, located in coding exon 10 of the BRCA2 gene, results from a duplication of A at nucleotide position 4576, causing a translational frameshift with a predicted alternate stop codon (p.T1526Nfs*3). This mutation has been seen in multiple patients with hereditary breast and/or ovarian cancer (de Jonge et al. J Mol Diagn., 2018 09;20(5):600-611; Song H et al. Hum. Mol. Genet., 2014 Sep;23:4703-9, Rebbeck et al. Hum. Mutat. 2018 05;39(5):593-620). In addition to the clinical data presented in the literature, this alteration is expected to result in loss of function by premature protein truncation or nonsense-mediated mRNA decay. As such, this alteration is interpreted as a disease-causing mutation.

Consortium of Investigators of Modifiers of BRCA1/2 (CIMBA), c/o University of Cambridge
Classification: Pathogenic for Breast-ovarian cancer, familial, susceptibility to, 2. Last evaluated: 2015-10-02. Review status: criteria provided, single submitter. Criteria: CIMBA Mutation Classification guidelines May 2016. Collection method: clinical testing. Allele origin: germline. Not counted in ClinVar's aggregate classification.

Literature cited by the submitters: PubMed 20104584 (cited by Labcorp Genetics (formerly Invitae), Labcorp); PubMed 24728189 (cited by Ambry Genetics).